The following is an entry in ClinVar:

NM_014946.4(SPAST):c.1107A>G (p.Thr369=)

Gene: SPAST (spastin; plus strand). Cytogenetic location: 2p22.3.
Variant type: single nucleotide variant.
Coding change: c.1107A>G on transcript NM_014946.4 (MANE Select); coding-DNA position 1107, A replaced by G.
Protein change: p.Thr369=; no amino-acid change (threonine 369 retained).
Molecular consequence: synonymous variant.
Genome position (GRCh38, 1-based): chr2:32,126,956, A>G. VCF-style: chr2-32126956-A-G. GRCh37 (hg19) VCF-style: chr2-32352025-A-G.
Other names: p.Thr369=; c.1104A>G, p.Thr368= (NM_001363823.2); c.1008A>G, p.Thr336= (NM_001363875.2); c.1011A>G, p.Thr337= (NM_001377959.1, NM_199436.2).
Identifiers: ClinVar variation 758636 (VCV000758636.12), dbSNP rs1573139443, ClinGen allele CA425446552.

ClinVar aggregate classification (germline): Pathogenic/Likely pathogenic. Review status: criteria provided, multiple submitters, no conflicts (2 of 4 stars). 3 submissions from 3 submitters: Pathogenic (1); Likely pathogenic (2). Last evaluated 2026-08-05.

Conditions:
SPAST-related disorder. Also called: SPAST-related condition.
Hereditary spastic paraplegia 4. Also called: Familial spastic paraplegia autosomal dominant 2; Spastic paraplegia 4, autosomal dominant; Spastic Paraplegia 4. Identifiers: Orphanet 100985, MedGen C1866855, MONDO:0008438, OMIM 182601.

Allele frequency attached by ClinVar (database versions not stated): gnomAD exomes below 0.00001.
gnomAD v4.1: 2 of 1,609,254 alleles (0.00012%); highest among the groups gnomAD compares: Non-Finnish European, 0.00017%; no homozygotes.

Submissions (3):

PreventionGenetics, part of Exact Sciences
Classification: Likely pathogenic for SPAST-related condition. Last evaluated: 2026-08-05. Review status: criteria provided, single submitter. Criteria: ACMG Guidelines, 2015. Collection method: clinical testing. Allele origin: germline.
Comment: The SPAST c.1107A>G variant is not predicted to result in an amino acid change (p.=). This variant is predicted to significantly weaken the canonical acceptor site based on available splicing prediction programs (SpliceAI, Jaganathan et al. 2019. PubMed ID: 30661751). This variant has been reported in an individual with spastic paraplegia and segregated with disease in the family (Kadnikova et al. 2019. PubMed ID: 31594988). This variant has not been reported in a large population database (gnomAD), indicating this variant is rare. This variant is interpreted as likely pathogenic.

Mayo Clinic Laboratories, Mayo Clinic
Classification: Likely pathogenic. Last evaluated: 2025-06-27. Review status: criteria provided, single submitter. Criteria: ACMG Guidelines, 2015. Collection method: clinical testing. Allele origin: germline. Observed: 3 variant alleles.
Comment: PP1_moderate, PS4_moderate, PVS1_strong

Labcorp Genetics (formerly Invitae), Labcorp
Classification: Pathogenic for Hereditary spastic paraplegia 4. Last evaluated: 2025-04-23. Review status: criteria provided, single submitter. Criteria: Invitae Variant Classification Sherloc (09022015). Collection method: clinical testing. Allele origin: germline.
Comment: This sequence change affects codon 369 of the SPAST mRNA. It is a 'silent' change, meaning that it does not change the encoded amino acid sequence of the SPAST protein. This variant is not present in population databases (gnomAD no frequency). This variant has been observed in individuals with clinical features of hereditary spastic paraplegia (PMID: 31594988; internal data). Invitae Evidence Modeling of clinical and family history, age, sex, and reported ancestry of multiple individuals with this SPAST variant has been performed. This variant is expected to be pathogenic with a positive predictive value of at least 99%. This is a validated machine learning model that incorporates the clinical features of 4,195 individuals referred to our laboratory for SPAST testing. ClinVar contains an entry for this variant (Variation ID: 758636). Algorithms developed to predict the effect of sequence changes on RNA splicing suggest that this variant may disrupt the consensus splice site. For these reasons, this variant has been classified as Pathogenic.

Literature cited by the submitters: PubMed 31594988 (cited by Mayo Clinic Laboratories, Mayo Clinic and Labcorp Genetics (formerly Invitae), Labcorp).